The following is an entry in ClinVar:

ClinVar aggregate classification (germline): Uncertain significance. Review status: criteria provided, multiple submitters, no conflicts (2 of 4 stars). 2 submissions from 2 submitters: Uncertain significance (2). Last evaluated 2025-10-18.

Conditions:
Inborn genetic diseases. Identifiers: MedGen C0950123, MeSH D030342.
Acyl-CoA oxidase deficiency. Also called: Peroxisomal acyl-CoA oxidase deficiency; STRAIGHT-CHAIN ACYL-CoA OXIDASE DEFICIENCY; Pseudoneonatal adrenoleukodystrophy. Identifiers: Orphanet 2971, MedGen C1849678, MONDO:0009919, OMIM 264470. Disease mechanism: loss of function.

Submissions (2):

Ambry Genetics
Classification: Uncertain significance for Inborn genetic diseases. Last evaluated: 2025-10-18. Review status: criteria provided, single submitter. Criteria: Ambry Variant Classification Scheme 2023. Collection method: clinical testing. Allele origin: germline.

Labcorp Genetics (formerly Invitae), Labcorp
Classification: Uncertain significance for Acyl-CoA oxidase deficiency. Last evaluated: 2024-08-01. Review status: criteria provided, single submitter. Criteria: Invitae Variant Classification Sherloc (09022015). Collection method: clinical testing. Allele origin: germline.
Comment: This sequence change replaces leucine, which is neutral and non-polar, with phenylalanine, which is neutral and non-polar, at codon 51 of the ACOX1 protein (p.Leu51Phe). This variant is not present in population databases (gnomAD no frequency). This variant has not been reported in the literature in individuals affected with ACOX1-related conditions. An algorithm developed to predict the effect of missense changes on protein structure and function (PolyPhen-2) suggests that this variant is likely to be tolerated. In summary, the available evidence is currently insufficient to determine the role of this variant in disease. Therefore, it has been classified as a Variant of Uncertain Significance.

NM_004035.7(ACOX1):c.153G>T (p.Leu51Phe)

Gene: ACOX1 (acyl-CoA oxidase 1; minus strand). Cytogenetic location: 17q25.1.
Variant type: single nucleotide variant.
Coding change: c.153G>T on transcript NM_004035.7 (MANE Select); coding-DNA position 153, G replaced by T.
Protein change: p.Leu51Phe; replaces leucine 51 with phenylalanine.
Molecular consequence: missense variant.
Genome position (GRCh38, 1-based): chr17:75,978,650, C>A on the plus strand (G>T on the coding strand, the complement: ACOX1 is on the minus strand). VCF-style: chr17-75978650-C-A. GRCh37 (hg19) VCF-style: chr17-73974731-C-A.
Other names: c.153G>T (NM_004035.6); c.39G>T, p.Leu13Phe (NM_001185039.2); c.153G>T, p.Leu51Phe (NM_007292.6); short protein forms L51F, L13F.
Identifiers: ClinVar variation 3693722 (VCV003693722.3).